The following is an entry in ClinVar:

ClinVar aggregate classification (germline): Uncertain significance. Review status: criteria provided, multiple submitters, no conflicts (2 of 4 stars). 2 submissions from 2 submitters: Uncertain significance (2). Last evaluated 2025-04-28.

Conditions:
Inborn genetic diseases. Identifiers: MedGen C0950123, MeSH D030342.
Myopathy, proximal, and ophthalmoplegia (CMYO6). Also called: INCLUSION BODY MYOPATHY 3, AUTOSOMAL DOMINANT; MYOPATHY WITH CONGENITAL JOINT CONTRACTURES, OPHTHALMOPLEGIA, AND RIMMED VACUOLES; CONGENITAL MYOPATHY 6 WITH OPHTHALMOPLEGIA. Identifiers: Orphanet 363677, Orphanet 79091, MedGen C1854106, MONDO:0011577, OMIM 605637.

gnomAD v4.1: 38 of 1,613,920 alleles (0.0024%); highest among the groups gnomAD compares: South Asian, 0.0055%; no homozygotes.

Submissions (2):

Ambry Genetics
Classification: Uncertain significance for Inborn genetic diseases. Last evaluated: 2025-04-28. Review status: criteria provided, single submitter. Criteria: Ambry Variant Classification Scheme 2023. Collection method: clinical testing. Allele origin: germline.

Labcorp Genetics (formerly Invitae), Labcorp
Classification: Uncertain significance for Myopathy, proximal, and ophthalmoplegia. Last evaluated: 2024-12-10. Review status: criteria provided, single submitter. Criteria: Invitae Variant Classification Sherloc (09022015). Collection method: clinical testing. Allele origin: germline.
Comment: This sequence change replaces arginine, which is basic and polar, with tryptophan, which is neutral and slightly polar, at codon 1927 of the MYH2 protein (p.Arg1927Trp). This variant is present in population databases (rs767382926, gnomAD 0.008%). This variant has not been reported in the literature in individuals affected with MYH2-related conditions. Invitae Evidence Modeling of protein sequence and biophysical properties (such as structural, functional, and spatial information, amino acid conservation, physicochemical variation, residue mobility, and thermodynamic stability) indicates that this missense variant is expected to disrupt MYH2 protein function with a positive predictive value of 80%. In summary, the available evidence is currently insufficient to determine the role of this variant in disease. Therefore, it has been classified as a Variant of Uncertain Significance.

NM_017534.6(MYH2):c.5779C>T (p.Arg1927Trp)

Genes: MYHAS (myosin heavy chain gene cluster antisense RNA; plus strand), MYH2 (myosin heavy chain 2; minus strand). Cytogenetic location: 17p13.1.
Variant type: single nucleotide variant.
Coding change: c.5779C>T on transcript NM_017534.6 (MANE Select); coding-DNA position 5779, C replaced by T.
Protein change: p.Arg1927Trp; replaces arginine 1927 with tryptophan.
Molecular consequence: missense variant.
Genome position (GRCh38, 1-based): chr17:10,521,327, G>A on the plus strand (C>T on the coding strand, the complement: MYH2 is on the minus strand). VCF-style: chr17-10521327-G-A. GRCh37 (hg19) VCF-style: chr17-10424644-G-A.
Other names: c.5779C>T (NM_017534.5); c.5779C>T, p.Arg1927Trp (NM_001100112.2); short protein forms R1927W.
Identifiers: ClinVar variation 3703299 (VCV003703299.3).